The following is an entry in ClinVar:

ClinVar aggregate classification (germline): Benign. Review status: criteria provided, multiple submitters, no conflicts (2 of 4 stars). 2 submissions from 2 submitters: Benign (2). Last evaluated 2019-10-08.

Allele frequency attached by ClinVar (database versions not stated): ESP Exome Variant Server 0.12333; gnomAD 0.15356 and 0.15772; TOPMed 0.16211; gnomAD exomes 0.16921 and 0.21306; 1000 Genomes Project 30x 0.19628; 1000 Genomes Project 0.19688; ExAC 0.20178.
gnomAD v4.1: 271,277 of 1,613,852 alleles (17%); highest among the groups gnomAD compares: East Asian, 42%; 27,235 homozygotes.

Submissions (2):

GeneDx
Classification: Benign. Last evaluated: 2019-10-08. Review status: criteria provided, single submitter. Criteria: GeneDx Variant Classification Process June 2021. Collection method: clinical testing. Allele origin: germline. Affected: yes.
Comment: This variant is associated with the following publications: (PMID: 24392019, 29484706, 23633189, 15342424, 23040216, 24853559, 24489833, 22624032, 23608917, 23073772, 18716896, 23910651, 19484672, 18054108, 21037106, 20196871, 17214964)

Breakthrough Genomics
Classification: Benign. Review status: criteria provided, single submitter. Criteria: ACMG Guidelines, 2015. Collection method: not provided. Allele origin: germline. Inheritance: Unknown mechanism. Affected: yes.

NM_001618.4(PARP1):c.2285T>C (p.Val762Ala)

Gene: PARP1 (poly(ADP-ribose) polymerase 1; minus strand). Cytogenetic location: 1q42.12.
Variant type: single nucleotide variant.
Coding change: c.2285T>C on transcript NM_001618.4 (MANE Select); coding-DNA position 2285, T replaced by C.
Protein change: p.Val762Ala; replaces valine 762 with alanine.
Molecular consequence: missense variant.
Genome position (GRCh38, 1-based): chr1:226,367,601, A>G on the plus strand (T>C on the coding strand, the complement: PARP1 is on the minus strand). VCF-style: chr1-226367601-A-G. GRCh37 (hg19) VCF-style: chr1-226555302-A-G.
Other names: short protein forms V762A.
Identifiers: ClinVar variation 1261945 (VCV001261945.3), dbSNP rs1136410, ClinGen allele CA1422514.
Genomic context (GRCh38, chr1:226,367,601, plus strand): 5'-GACCCTCCCCTGAGCAGACTGTAGGCCACCTCGATGTCCAGCAGGTTGTCAAGCATTTCC[A>G]CCTTGGCCTGGAGGAGCAAAAGAAAGCCCCCGACTTAGGTATCATGGTGAATGAGACAGA-3'
Protein context (NP_001609.2, residues 752-772): LNNADSVQAK[Val762Ala]EMLDNLLDIE